The following is an entry in ClinVar:

ClinVar aggregate classification (germline): Benign/Likely benign. Review status: criteria provided, multiple submitters, no conflicts (2 of 4 stars). 2 submissions from 2 submitters: Benign (1); Likely benign (1). Last evaluated 2025-08-09.

Conditions:
Inborn genetic diseases. Identifiers: MedGen C0950123, MeSH D030342.

Allele frequency attached by ClinVar (database versions not stated): ESP Exome Variant Server 0.00222; 1000 Genomes Project 30x 0.00234; 1000 Genomes Project 0.00260.
gnomAD v4.1: 606 of 1,611,580 alleles (0.038%); highest among the groups gnomAD compares: African/African-American, 0.69%; 4 homozygotes.

Submissions (2):

Ambry Genetics
Classification: Likely benign for Inborn genetic diseases. Last evaluated: 2025-08-09. Review status: criteria provided, single submitter. Criteria: Ambry Variant Classification Scheme 2023. Collection method: clinical testing. Allele origin: germline.

CeGaT Center for Human Genetics Tuebingen
Classification: Benign. Last evaluated: 2022-09-01. Review status: criteria provided, single submitter. Criteria: CeGaT Center For Human Genetics Tuebingen Variant Classification Criteria Version 2. Collection method: clinical testing. Allele origin: germline. Affected: yes. Observed: 2 variant alleles.
Comment: MAPK8IP3: BS1, BS2

NM_001318852.2(MAPK8IP3):c.2826C>A (p.Asn942Lys)

Gene: MAPK8IP3 (mitogen-activated protein kinase 8 interacting protein 3; plus strand). Cytogenetic location: 16p13.3.
Variant type: single nucleotide variant.
Coding change: c.2826C>A on transcript NM_001318852.2 (MANE Select); coding-DNA position 2826, C replaced by A.
Protein change: p.Asn942Lys; replaces asparagine 942 with lysine.
Molecular consequence: missense variant.
Genome position (GRCh38, 1-based): chr16:1,766,535, C>A. VCF-style: chr16-1766535-C-A. GRCh37 (hg19) VCF-style: chr16-1816536-C-A.
Other names: c.2805C>A, p.Asn935Lys (NM_001040439.2); c.2823C>A, p.Asn941Lys (NM_015133.5, NM_033392.3); c.2823C>A (NM_015133.3); short protein forms N935K, N941K, N942K.
Identifiers: ClinVar variation 2645929 (VCV002645929.25), dbSNP rs200230215, ClinGen allele CA7817434.